The following is an entry in ClinVar:

NM_001040108.2(MLH3):c.837C>T (p.Cys279=)

Gene: MLH3 (mutL homolog 3; minus strand). Cytogenetic location: 14q24.3.
Variant type: single nucleotide variant.
Coding change: c.837C>T on transcript NM_001040108.2 (MANE Select); coding-DNA position 837, C replaced by T.
Protein change: p.Cys279=; no amino-acid change (cysteine 279 retained).
Molecular consequence: synonymous variant.
Genome position (GRCh38, 1-based): chr14:75,048,819, G>A on the plus strand (C>T on the coding strand, the complement: MLH3 is on the minus strand). VCF-style: chr14-75048819-G-A. GRCh37 (hg19) VCF-style: chr14-75515522-G-A.
Other names: c.837C>T, p.Cys279= (NM_014381.3).
Identifiers: ClinVar variation 238253 (VCV000238253.26), dbSNP rs149962294, ClinGen allele CA7275961.
Genomic context (GRCh38, chr14:75,048,819, plus strand): 5'-GGTAGACCGGTGCCGAAGACTTGAATTCATTTGCCTACTGGTGGGACCATTCTTTGGCTT[G>A]CATATAATACTTTCTTTCCTTAATAAAAAGTCAATGAGTTTATGTAGCTTTGTCCTTAAA-3'
Protein context (NP_001035197.1, residues 269-289): DFLLRKESII[Cys279=]KPKNGPTSRQ

ClinVar aggregate classification (germline): Benign/Likely benign. Review status: criteria provided, multiple submitters, no conflicts (2 of 4 stars). 7 submissions from 7 submitters: Benign (2); Likely benign (5). Last evaluated 2026-04-29.

Conditions:
Colorectal cancer. Also called: Colorectal cancer, somatic; Malignant Colorectal Neoplasm. Identifiers: MedGen C0346629, MONDO:0005575, OMIM 114500.
Colorectal cancer, hereditary nonpolyposis, type 7. Identifiers: Orphanet 144, MedGen C1858380, MONDO:0013725, OMIM 614385.
Endometrial carcinoma. Also called: Endometrial carcinoma, somatic. Identifiers: MedGen C0476089, MONDO:0002447, OMIM 608089, HP:0012114.

Allele frequency attached by ClinVar (database versions not stated): gnomAD 0.00054 and 0.00039; 1000 Genomes Project 30x 0.00078; 1000 Genomes Project 0.00080; gnomAD exomes 0.00090; ExAC 0.00091; ESP Exome Variant Server 0.00038; TOPMed 0.00042.
gnomAD v4.1: 991 of 1,614,096 alleles (0.061%); highest among the groups gnomAD compares: Middle Eastern, 0.53%; 6 homozygotes.

Submissions (7):

Myriad Genetics, Inc.
Classification: Benign for Colorectal cancer, hereditary nonpolyposis, type 7. Last evaluated: 2026-04-29. Review status: criteria provided, single submitter. Criteria: Myriad Autosomal Dominant, Autosomal Recessive and X-Linked Classification Criteria (2023). Collection method: clinical testing. Allele origin: unknown.
Comment: This variant is considered benign. This variant is a silent/synonymous amino acid change and it is not expected to impact splicing.

Labcorp Genetics (formerly Invitae), Labcorp
Classification: Benign for Colorectal cancer, hereditary nonpolyposis, type 7. Last evaluated: 2026-01-26. Review status: criteria provided, single submitter. Criteria: Invitae Variant Classification Sherloc (09022015). Collection method: clinical testing. Allele origin: germline.

Center for Genomic Medicine, Rigshospitalet, Copenhagen University Hospital
Classification: Likely benign. Last evaluated: 2025-03-04. Review status: criteria provided, single submitter. Criteria: ACMG Guidelines, 2015. Collection method: clinical testing. Allele origin: germline.

Department of Pathology and Laboratory Medicine, Sinai Health System
Classification: Likely benign for Colorectal cancer; Endometrial carcinoma; Colorectal cancer, hereditary nonpolyposis, type 7. Last evaluated: 2025-02-19. Review status: criteria provided, single submitter. Criteria: ACMG Guidelines, 2015. Collection method: clinical testing. Allele origin: germline. Affected: yes.

Blueprint Genetics
Classification: Likely benign. Last evaluated: 2024-11-27. Review status: criteria provided, single submitter. Criteria: ACMG Guidelines, 2015. Collection method: clinical testing. Allele origin: germline.

Ambry Genetics
Classification: Likely benign. Last evaluated: 2020-09-23. Review status: criteria provided, single submitter. Criteria: Ambry Variant Classification Scheme 2023. Collection method: clinical testing. Allele origin: germline.

Illumina Laboratory Services, Illumina
Classification: Likely benign for Colorectal cancer, hereditary nonpolyposis, type 7. Last evaluated: 2018-01-13. Review status: criteria provided, single submitter. Criteria: ICSL Variant Classification Criteria 13 December 2019. Collection method: clinical testing. Allele origin: germline.
Comment: This variant was observed in the ICSL laboratory as part of a predisposition screen in an ostensibly healthy population. It had not been previously curated by ICSL or reported in the Human Gene Mutation Database (HGMD: prior to June 1st, 2018), and was therefore a candidate for classification through an automated scoring system. Utilizing variant allele frequency, disease prevalence and penetrance estimates, and inheritance mode, an automated score was calculated to assess if this variant is too frequent to cause the disease. Based on the score and internal cut-off values, a variant classified as likely benign is not then subjected to further curation. The score for this variant resulted in a classification of likely benign for this disease.